The following is an entry in ClinVar:

NM_002878.4(RAD51D):c.306G>C (p.Val102=)

Genes: RAD51D (RAD51 paralog D; minus strand), RAD51L3-RFFL (RAD51L3-RFFL readthrough; minus strand). Cytogenetic location: 17q12.
Variant type: single nucleotide variant.
Coding change: c.306G>C on transcript NM_002878.4 (MANE Select); coding-DNA position 306, G replaced by C.
Protein change: p.Val102=; no amino-acid change (valine 102 retained).
Molecular consequence: synonymous variant. On other transcripts: non-coding transcript variant (2), intron variant (1).
Genome position (GRCh38, 1-based): chr17:35,107,405, C>G on the plus strand (G>C on the coding strand, the complement: RAD51D is on the minus strand). VCF-style: chr17-35107405-C-G. GRCh37 (hg19) VCF-style: chr17-33434424-C-G.
Other names: c.366G>C, p.Val122= (NM_001142571.2); c.145-924G>C (NM_133629.3).
Identifiers: ClinVar variation 3903860 (VCV003903860.1).
Genomic context (GRCh38, chr17:35,107,405, plus strand): 5'-GACTGCTGGCCTCACATGTACCTGAGTTTTGCCGCTACCTGGGCCTCCTACAATTTCAGT[C>G]ACTTCTCCAGTATAGAGACCAGCATCAAGCAGTTTATCAAGACTGATGGCAGAAGAGAAG-3'
Protein context (NP_002869.3, residues 92-112): LLDAGLYTGE[Val102=]TEIVGGPGSG

ClinVar aggregate classification (germline): Benign (1 of 4 stars; one submission).

Conditions:
Breast-ovarian cancer, familial, susceptibility to, 4. Identifiers: Orphanet 145, MedGen C3280345, MONDO:0013669, OMIM 614291.

gnomAD v4.1: 1 of 1,567,050 alleles (0.000064%); highest among the groups gnomAD compares: Non-Finnish European, 0.000088%; no homozygotes.

Submission:

Myriad Genetics, Inc.
Classification: Benign for Breast-ovarian cancer, familial, susceptibility to, 4. Last evaluated: 2025-02-20. Review status: criteria provided, single submitter. Criteria: Myriad Autosomal Dominant, Autosomal Recessive and X-Linked Classification Criteria (2023). Collection method: clinical testing. Allele origin: unknown.
Comment: This variant is considered benign. This variant is a silent/synonymous amino acid change and it is not expected to impact splicing.